The following is an entry in ClinVar:

NM_004304.5(ALK):c.2796AGG[1] (p.Gly936del)

Gene: ALK (ALK receptor tyrosine kinase; minus strand). Cytogenetic location: 2p23.2.
Variant type: Microsatellite.
Coding change: c.2796AGG[1] on transcript NM_004304.5 (MANE Select); one copy of the 3-base unit AGG starting at c.2796; the reference has two copies in a row; one copy, 3 bases deleted.
Protein change: p.Gly936del; deletes glycine 936.
Molecular consequence: inframe deletion.
Genome position (GRCh38, 1-based): chr2:29,228,898-29,228,900, CCT deleted on the plus strand (AGG on the coding strand, the reverse complement: ALK is on the minus strand); deleting any 3 consecutive bases within chr2:29,228,898-29,228,905 gives the same sequence; the position shown is the placement nearest the transcript's 3' end. VCF-style (leftmost placement, unchanged base first): chr2-29228897-GCCT-G. GRCh37 (hg19) VCF-style: chr2-29451763-GCCT-G.
Other names: c.2799_2801delAGG (NM_004304.4); short protein forms G936del.
Identifiers: ClinVar variation 2882392 (VCV002882392.4), dbSNP rs2465977380, ClinGen allele CA2658461437.
Genomic context (GRCh38, chr2:29,228,897, plus strand): 5'-GGACTAAGCAGGGAGGGAGTGACACCTTGAACACGAATCATCTTTACCTATATATCCTCC[GCCT>G]CCTCCACCTGAGGAGCACCCCCCTCCACCCCCTCCGAAACCCCCTCTTGTCTCCCACCCC-3'

ClinVar aggregate classification (germline): Uncertain significance. Review status: criteria provided, multiple submitters, no conflicts (2 of 4 stars). 2 submissions from 2 submitters: Uncertain significance (2). Last evaluated 2025-02-21.

Conditions:
Hereditary cancer-predisposing syndrome. Also called: Hereditary Cancer Syndrome; Hereditary neoplastic syndrome; Neoplastic Syndromes, Hereditary; Tumor predisposition. Identifiers: Orphanet 140162, MedGen C0027672, MeSH D009386, MONDO:0015356.
Neuroblastoma, susceptibility to, 3. Also called: ALK-Related Neuroblastic Tumor Susceptibility. Identifiers: Orphanet 635, MedGen C2751681, MONDO:0013083, OMIM 613014.

Submissions (2):

Ambry Genetics
Classification: Uncertain significance for Hereditary cancer-predisposing syndrome. Last evaluated: 2025-02-21. Review status: criteria provided, single submitter. Criteria: Ambry Variant Classification Scheme 2023. Collection method: clinical testing. Allele origin: germline.
Comment: The c.2799_2801delAGG variant (also known as p.G936del) is located in coding exon 16 of the ALK gene. This variant results from an in-frame AGG deletion at nucleotide positions 2799 to 2801. This results in the in-frame deletion of a glycine at codon 936. This amino acid position is highly conserved in available vertebrate species. In addition, this alteration is predicted to be deleterious by in silico analysis (Choi Y et al. PLoS ONE. 2012; 7(10):e46688). Based on the available evidence, the clinical significance of this variant remains unclear.

Labcorp Genetics (formerly Invitae), Labcorp
Classification: Uncertain significance for Neuroblastoma, susceptibility to, 3. Last evaluated: 2024-07-31. Review status: criteria provided, single submitter. Criteria: Invitae Variant Classification Sherloc (09022015). Collection method: clinical testing. Allele origin: germline.
Comment: This variant, c.2799_2801del, results in the deletion of 1 amino acid(s) of the ALK protein (p.Gly936del), but otherwise preserves the integrity of the reading frame. This variant is not present in population databases (gnomAD no frequency). This variant has not been reported in the literature in individuals affected with ALK-related conditions. Experimental studies and prediction algorithms are not available or were not evaluated, and the functional significance of this variant is currently unknown. In summary, the available evidence is currently insufficient to determine the role of this variant in disease. Therefore, it has been classified as a Variant of Uncertain Significance.